The following is an entry in ClinVar:

ClinVar aggregate classification (germline): Uncertain significance. Review status: criteria provided, multiple submitters, no conflicts (2 of 4 stars). 3 submissions from 3 submitters: Uncertain significance (3). Last evaluated 2025-03-20.

Conditions:
Inborn genetic diseases. Identifiers: MedGen C0950123, MeSH D030342.
Spastic paraplegia. Identifiers: MedGen C0037772, HP:0001258.

Allele frequency attached by ClinVar (database versions not stated): ExAC 0.00006; gnomAD 0.00001; gnomAD exomes 0.00002; 1000 Genomes Project 30x 0.00016; 1000 Genomes Project 0.00020.
gnomAD v4.1: 27 of 1,613,522 alleles (0.0017%); highest among the groups gnomAD compares: South Asian, 0.029%; no homozygotes.

Submissions (3):

Ambry Genetics
Classification: Uncertain significance for Inborn genetic diseases. Last evaluated: 2025-03-20. Review status: criteria provided, single submitter. Criteria: Ambry Variant Classification Scheme 2023. Collection method: clinical testing. Allele origin: germline.

Mayo Clinic Laboratories, Mayo Clinic
Classification: Uncertain significance. Last evaluated: 2024-06-11. Review status: criteria provided, single submitter. Criteria: ACMG Guidelines, 2015. Collection method: clinical testing. Allele origin: germline. Observed: 2 variant alleles.
Comment: BP4, PM2_moderate

Labcorp Genetics (formerly Invitae), Labcorp
Classification: Uncertain significance for Spastic paraplegia. Last evaluated: 2022-04-08. Review status: criteria provided, single submitter. Criteria: Invitae Variant Classification Sherloc (09022015). Collection method: clinical testing. Allele origin: germline.
Comment: This sequence change replaces glutamine, which is neutral and polar, with arginine, which is basic and polar, at codon 2522 of the ZFYVE26 protein (p.Gln2522Arg). This variant is present in population databases (rs527992462, gnomAD 0.03%). This variant has not been reported in the literature in individuals affected with ZFYVE26-related conditions. Algorithms developed to predict the effect of missense changes on protein structure and function (SIFT, PolyPhen-2, Align-GVGD) all suggest that this variant is likely to be tolerated. In summary, the available evidence is currently insufficient to determine the role of this variant in disease. Therefore, it has been classified as a Variant of Uncertain Significance.

NM_015346.4(ZFYVE26):c.7565A>G (p.Gln2522Arg)

Gene: ZFYVE26 (zinc finger FYVE-type containing 26; minus strand). Cytogenetic location: 14q24.1.
Variant type: single nucleotide variant.
Coding change: c.7565A>G on transcript NM_015346.4 (MANE Select); coding-DNA position 7565, A replaced by G.
Protein change: p.Gln2522Arg; replaces glutamine 2522 with arginine.
Molecular consequence: missense variant.
Genome position (GRCh38, 1-based): chr14:67,748,491, T>C on the plus strand (A>G on the coding strand, the complement: ZFYVE26 is on the minus strand). VCF-style: chr14-67748491-T-C. GRCh37 (hg19) VCF-style: chr14-68215208-T-C.
Other names: p.Gln2522Arg; c.7565A>G (NM_015346.3); short protein forms Q2522R.
Identifiers: ClinVar variation 1944982 (VCV001944982.4), dbSNP rs527992462, ClinGen allele CA7238915.